The following is an entry in ClinVar:

NM_000458.4(HNF1B):c.211_217del (p.Lys71fs)

Gene: HNF1B (HNF1 homeobox B; minus strand). Cytogenetic location: 17q12.
Variant type: Deletion.
Coding change: c.211_217del on transcript NM_000458.4 (MANE Select); coding-DNA positions 211 to 217, 7 bases deleted (AAGGGCC; older notation c.211_217delAAGGGCC).
Protein change: p.Lys71fs; shifts the reading frame from lysine 71.
Molecular consequence: frameshift variant.
Genome position (GRCh38, 1-based): chr17:37,744,668-37,744,674, GGCCCTT deleted on the plus strand (AAGGGCC on the coding strand, the reverse complement: HNF1B is on the minus strand); deleting any 7 consecutive bases within chr17:37,744,668-37,744,677 gives the same sequence; the c. name uses the placement nearest the transcript's 3' end. VCF-style (leftmost placement, unchanged base first): chr17-37744667-CGGCCCTT-C. GRCh37 (hg19) VCF-style: chr17-36104658-CGGCCCTT-C.
Other names: c.211_217del, p.Lys71fs (NM_001165923.4, NM_001304286.2); short protein forms K71fs.
Identifiers: ClinVar variation 635725 (VCV000635725.1), dbSNP rs2511851192, ClinGen allele CA913190803.

ClinVar aggregate classification (germline): Pathogenic (1 of 4 stars; one submission).

Conditions:
Renal cysts and diabetes syndrome (RCAD). Also called: Familial hypoplastic, glomerulocystic kidney; MATURITY-ONSET DIABETES OF THE YOUNG, TYPE 5. Identifiers: Orphanet 93111, MedGen C0431693, MONDO:0007669, OMIM 137920.

Submission:

Institute of Human Genetics, FAU Erlangen, Friedrich-Alexander-Universität Erlangen-Nürnberg
Classification: Pathogenic for Renal cysts and diabetes syndrome. Last evaluated: 2019-07-06. Review status: criteria provided, single submitter. Criteria: ACMG Guidelines, 2015. Collection method: literature only. Allele origin: germline. Affected: yes.
Comment: This variant and it's classification has been reported by Vasileiou et al. 2019; DOI:10.1101/576918. The variants has previously been reported in PMID:20378641; PMID:25700310; PMID:20378641; PMID:24897035; PMID:25536396 as "c.211 delAAGGGCC,p.Lys71fs; c.211_217delAAGGGCC; c.212-217delAAGGGCC p.Lys71AlafsX42; c.211_217delAAGGGCC" with clinical significance Pathogenic. It has been re-classified using InterVar and manual curation as Pathogenic based on PVS1 PM2 PP3.

Literature cited by the submitters: PubMed 20378641; PubMed 25700310; PubMed 24897035; PubMed 25536396; DOI 10.1101/576918.